The following is an entry in ClinVar:

NM_004588.5(SCN2B):c.598G>A (p.Glu200Lys)

Gene: SCN2B (sodium voltage-gated channel beta subunit 2; minus strand). Cytogenetic location: 11q23.3.
Variant type: single nucleotide variant.
Coding change: c.598G>A on transcript NM_004588.5 (MANE Select); coding-DNA position 598, G replaced by A.
Protein change: p.Glu200Lys; replaces glutamic acid 200 with lysine.
Molecular consequence: missense variant.
Genome position (GRCh38, 1-based): chr11:118,166,937, C>T on the plus strand (G>A on the coding strand, the complement: SCN2B is on the minus strand). VCF-style: chr11-118166937-C-T. GRCh37 (hg19) VCF-style: chr11-118037652-C-T.
Other names: short protein forms E200K.
Identifiers: ClinVar variation 1750888 (VCV001750888.2), dbSNP rs1485320329, ClinGen allele CA382783437.

ClinVar aggregate classification (germline): Uncertain significance (1 of 4 stars; one submission).

Conditions:
Cardiovascular phenotype. Identifiers: MedGen CN230736.

Submission:

Ambry Genetics
Classification: Uncertain significance for Cardiovascular phenotype. Last evaluated: 2021-08-31. Review status: criteria provided, single submitter. Criteria: Ambry Variant Classification Scheme 2023. Collection method: clinical testing. Allele origin: germline.
Comment: The p.E200K variant (also known as c.598G>A), located in coding exon 4 of the SCN2B gene, results from a G to A substitution at nucleotide position 598. The glutamic acid at codon 200 is replaced by lysine, an amino acid with similar properties. This amino acid position is conserved. In addition, this alteration is predicted to be deleterious by in silico analysis. Since supporting evidence is limited at this time, the clinical significance of this alteration remains unclear.